The following is an entry in ClinVar:

NM_000245.4(MET):c.970A>C (p.Lys324Gln)

Gene: MET (MET proto-oncogene, receptor tyrosine kinase; plus strand). Cytogenetic location: 7q31.2.
Variant type: single nucleotide variant.
Coding change: c.970A>C on transcript NM_000245.4 (MANE Select); coding-DNA position 970, A replaced by C.
Protein change: p.Lys324Gln; replaces lysine 324 with glutamine.
Molecular consequence: missense variant. On other transcripts: intron variant (1).
Genome position (GRCh38, 1-based): chr7:116,700,054, A>C. VCF-style: chr7-116700054-A-C. GRCh37 (hg19) VCF-style: chr7-116340108-A-C.
Other names: c.970A>C, p.Lys324Gln (NM_001127500.3, NM_001324401.3); c.-91+27477A>C (NM_001324402.2); short protein forms K324Q.
Identifiers: ClinVar variation 2123062 (VCV002123062.5), dbSNP rs1791511003, ClinGen allele CA368970257.
Genomic context (GRCh38, chr7:116,700,054, plus strand): 5'-AGAAAAAAGAGATCCACAAAGAAGGAAGTGTTTAATATACTTCAGGCTGCGTATGTCAGC[A>C]AGCCTGGGGCCCAGCTTGCTAGACAAATAGGAGCCAGCCTGAATGATGACATTCTTTTCG-3'
Protein context (NP_000236.2, residues 314-334): FNILQAAYVS[Lys324Gln]PGAQLARQIG

ClinVar aggregate classification (germline): Conflicting classifications of pathogenicity. Review status: criteria provided, conflicting classifications (1 of 4 stars). 2 submissions from 2 submitters: Uncertain significance (1); Likely benign (1). Last evaluated 2026-06-18.

Conditions:
Renal cell carcinoma. Identifiers: Orphanet 217071, MedGen C0007134, MeSH D002292, MONDO:0005086, HP:0005584.
Hereditary cancer-predisposing syndrome. Also called: Tumor predisposition; Hereditary Cancer Syndrome; Hereditary neoplastic syndrome; Neoplastic Syndromes, Hereditary. Identifiers: Orphanet 140162, MedGen C0027672, MeSH D009386, MONDO:0015356.

Submissions (2):

Ambry Genetics
Classification: Likely benign for Hereditary cancer-predisposing syndrome. Last evaluated: 2026-06-18. Review status: criteria provided, single submitter. Criteria: Ambry Variant Classification Scheme 2023. Collection method: clinical testing. Allele origin: germline.

Labcorp Genetics (formerly Invitae), Labcorp
Classification: Uncertain significance for Renal cell carcinoma. Last evaluated: 2022-04-08. Review status: criteria provided, single submitter. Criteria: Invitae Variant Classification Sherloc (09022015). Collection method: clinical testing. Allele origin: germline.
Comment: Algorithms developed to predict the effect of missense changes on protein structure and function are either unavailable or do not agree on the potential impact of this missense change (SIFT: "Deleterious"; PolyPhen-2: "Possibly Damaging"; Align-GVGD: "Class C0"). This sequence change replaces lysine, which is basic and polar, with glutamine, which is neutral and polar, at codon 324 of the MET protein (p.Lys324Gln). This variant is not present in population databases (gnomAD no frequency). This variant has not been reported in the literature in individuals affected with MET-related conditions. In summary, the available evidence is currently insufficient to determine the role of this variant in disease. Therefore, it has been classified as a Variant of Uncertain Significance.